The following is an entry in ClinVar:

NM_213599.3(ANO5):c.1924C>T (p.Arg642Ter)

Gene: ANO5 (anoctamin 5; plus strand). Cytogenetic location: 11p14.3.
Variant type: single nucleotide variant.
Coding change: c.1924C>T on transcript NM_213599.3 (MANE Select); coding-DNA position 1924, C replaced by T.
Protein change: p.Arg642Ter; replaces arginine 642 with a stop codon.
Molecular consequence: nonsense.
Genome position (GRCh38, 1-based): chr11:22,270,337, C>T. VCF-style: chr11-22270337-C-T. GRCh37 (hg19) VCF-style: chr11-22291883-C-T.
Other names: c.1921C>T, p.Arg641Ter (NM_001142649.2); short protein forms R641*, R642*.
Identifiers: ClinVar variation 1075891 (VCV001075891.7), dbSNP rs146341538, ClinGen allele CA5923409.
Genomic context (GRCh38, chr11:22,270,337, plus strand): 5'-CTATTTCATATATTAACTTTTATCACTTCCAACAGCTTGGCTTTGAATTGGTGGAGACGC[C>T]GAAAAGCTCGGACAAACTCTGAGAAGCTGTATAGTCGATGGGAGCAGGATCATGACCTTG-3'

ClinVar aggregate classification (germline): Pathogenic (1 of 4 stars; one submission).

Conditions:
Autosomal recessive limb-girdle muscular dystrophy type 2L (LGMDR12). Also called: Limb-girdle muscular dystrophy, type 2L; Limb-Girdle Muscular Dystrophy R12 Anoctamin-5-Related (LGMD-R12); MUSCULAR DYSTROPHY, LIMB-GIRDLE, AUTOSOMAL RECESSIVE 12. Identifiers: Orphanet 206549, MedGen C1969785, MONDO:0012652, OMIM 611307.
Gnathodiaphyseal dysplasia (GDD). Also called: GNATHODIAPHYSEAL SCLEROSIS; OSTEOGENESIS IMPERFECTA WITH UNUSUAL SKELETAL LESIONS. Identifiers: Orphanet 53697, MedGen C1833736, MONDO:0008151, OMIM 166260.

gnomAD v4.1: 12 of 1,614,044 alleles (0.00074%); highest among the groups gnomAD compares: Non-Finnish European, 0.00093%; no homozygotes.

Submission:

Labcorp Genetics (formerly Invitae), Labcorp
Classification: Pathogenic for Autosomal recessive limb-girdle muscular dystrophy type 2L; Gnathodiaphyseal dysplasia. Last evaluated: 2020-10-13. Review status: criteria provided, single submitter. Criteria: Invitae Variant Classification Sherloc (09022015). Collection method: clinical testing. Allele origin: germline.
Comment: For these reasons, this variant has been classified as Pathogenic. Loss-of-function variants in ANO5 are known to be pathogenic (PMID: 21186264, 23606453, 25891276, 30919934). This variant has not been reported in the literature in individuals with ANO5-related conditions. This variant is present in population databases (rs146341538, ExAC 0.003%). This sequence change creates a premature translational stop signal (p.Arg642*) in the ANO5 gene. It is expected to result in an absent or disrupted protein product.

Literature cited by the submitters: PubMed 21186264; PubMed 23606453; PubMed 25891276; PubMed 30919934.